The following is an entry in ClinVar:

ClinVar aggregate classification (germline): Uncertain significance (1 of 4 stars; one submission).

Conditions:
Glanzmann thrombasthenia. Also called: Glanzmann's thrombasthenia; BLEEDING DISORDER, PLATELET-TYPE, 2; THROMBASTHENIA OF GLANZMANN AND NAEGELI; Thrombasthenia; PLATELET GLYCOPROTEIN IIb-IIIa DEFICIENCY. Identifiers: Orphanet 849, MedGen C0040015, MONDO:0100326.

gnomAD v4.1: 10 of 1,612,892 alleles (0.00062%); highest among the groups gnomAD compares: Admixed American, 0.0067%; no homozygotes.

Submission:

Labcorp Genetics (formerly Invitae), Labcorp
Classification: Uncertain significance for Glanzmann thrombasthenia. Last evaluated: 2024-07-30. Review status: criteria provided, single submitter. Criteria: Invitae Variant Classification Sherloc (09022015). Collection method: clinical testing. Allele origin: germline.
Comment: This sequence change replaces alanine, which is neutral and non-polar, with valine, which is neutral and non-polar, at codon 728 of the ITGA2B protein (p.Ala728Val). This variant is present in population databases (rs756028263, gnomAD 0.009%). This variant has not been reported in the literature in individuals affected with ITGA2B-related conditions. Advanced modeling of protein sequence and biophysical properties (such as structural, functional, and spatial information, amino acid conservation, physicochemical variation, residue mobility, and thermodynamic stability) performed at Invitae indicates that this missense variant is not expected to disrupt ITGA2B protein function with a negative predictive value of 80%. In summary, the available evidence is currently insufficient to determine the role of this variant in disease. Therefore, it has been classified as a Variant of Uncertain Significance.

NM_000419.5(ITGA2B):c.2183C>T (p.Ala728Val)

Gene: ITGA2B (integrin subunit alpha 2b; minus strand). Cytogenetic location: 17q21.31.
Variant type: single nucleotide variant.
Coding change: c.2183C>T on transcript NM_000419.5 (MANE Select); coding-DNA position 2183, C replaced by T.
Protein change: p.Ala728Val; replaces alanine 728 with valine.
Molecular consequence: missense variant.
Genome position (GRCh38, 1-based): chr17:44,377,702, G>A on the plus strand (C>T on the coding strand, the complement: ITGA2B is on the minus strand). VCF-style: chr17-44377702-G-A. GRCh37 (hg19) VCF-style: chr17-42455070-G-A.
Other names: short protein forms A728V.
Identifiers: ClinVar variation 3710098 (VCV003710098.2).
Genomic context (GRCh38, chr17:44,377,702, plus strand): 5'-TCTGGTTATTCATGAGCCCCTGGTGGAGACCCGGTACCACGACCCAGCAGCCTCACCTGG[G>A]CGTTCTTCTTCATGGGGTTGCCCAGCTCACACAGCACCACCCTGGTCTCATTCTCCTTCT-3'
Protein context (NP_000410.2, residues 718-738): CELGNPMKKN[Ala728Val]QIGIAMLVSV